The following is an entry in ClinVar:

NM_018941.4(CLN8):c.280dup (p.Asp94fs)

Gene: CLN8 (CLN8 transmembrane ER and ERGIC protein; plus strand). Cytogenetic location: 8p23.3.
Variant type: Duplication.
Coding change: c.280dup on transcript NM_018941.4 (MANE Select); coding-DNA position 280, one base duplicated (G; older notation c.280dupG).
Protein change: p.Asp94fs; shifts the reading frame from aspartic acid 94.
Molecular consequence: frameshift variant.
Genome position (GRCh38, 1-based): chr8:1,771,334, G duplicated. VCF-style (leftmost placement, unchanged base first): chr8-1771333-C-CG. GRCh37 (hg19) VCF-style: chr8-1719499-C-CG.
Other names: short protein forms D94fs.
Identifiers: ClinVar variation 4081612 (VCV004081612.1).

ClinVar aggregate classification (germline): Pathogenic (1 of 4 stars; one submission).

Conditions:
Neuronal ceroid lipofuscinosis. Also called: Neuronal Ceroid Lipofuscinoses. Identifiers: Orphanet 216, Orphanet 79263, MedGen C0027877, MONDO:0016295. Disease mechanism: loss of function.

Submission:

Myriad Genetics, Inc.
Classification: Pathogenic for Neuronal ceroid lipofuscinosis. Last evaluated: 2025-02-27. Review status: criteria provided, single submitter. Criteria: Myriad Autosomal Dominant, Autosomal Recessive and X-Linked Classification Criteria (2023). Collection method: clinical testing. Allele origin: unknown.
Comment: NM_018941.3(CLN8):c.280dupG(D94Gfs*24) is a frameshift variant classified as pathogenic in the context of CLN8-related neuronal ceroid lipofuscinosis. D94Gfs*24 has been observed in a case with relevant disease (PMID: 25976102). Relevant functional assessments of this variant are not available in the literature. D94Gfs*24 has not been observed in referenced population frequency databases. In summary, NM_018941.3(CLN8):c.280dupG(D94Gfs*24) is a frameshift variant in a gene where loss of function is a known mechanism of disease, is predicted to disrupt protein function, and has been observed more frequently in cases with the relevant disease than in healthy populations. Please note: this variant was assessed in the context of healthy population screening.

Literature cited by the submitters: PubMed 25976102.